The following is an entry in ClinVar:

ClinVar aggregate classification (germline): Pathogenic (1 of 4 stars; one submission).

Conditions:
Exostoses, multiple, type 2 (EXT2). Also called: Hereditary Multiple Osteochondromatosis, Type II; EXOSTOSES, MULTIPLE, TYPE II. Identifiers: Orphanet 321, MedGen C1851413, MONDO:0007586, OMIM 133701.

Submission:

Labcorp Genetics (formerly Invitae), Labcorp
Classification: Pathogenic for Exostoses, multiple, type 2. Last evaluated: 2025-10-25. Review status: criteria provided, single submitter. Criteria: Invitae Variant Classification Sherloc (09022015). Collection method: clinical testing. Allele origin: germline.
Comment: This sequence change creates a premature translational stop signal (p.His88Leufs*20) in the EXT2 gene. It is expected to result in an absent or disrupted protein product. Loss-of-function variants in EXT2 are known to be pathogenic (PMID: 10679937, 19810120). This variant is not present in population databases (gnomAD no frequency). This variant has not been reported in the literature in individuals affected with EXT2-related conditions. For these reasons, this variant has been classified as Pathogenic.

Literature cited by the submitters: PubMed 10679937; PubMed 19810120.

NM_207122.2(EXT2):c.263_291del (p.His88fs)

Gene: EXT2 (exostosin glycosyltransferase 2; plus strand). Cytogenetic location: 11p11.2.
Variant type: Deletion.
Coding change: c.263_291del on transcript NM_207122.2 (MANE Select); coding-DNA positions 263 to 291, 29 bases deleted (ACACGTGTTTTGATGTCTATCGCTGTGGC).
Protein change: p.His88fs; shifts the reading frame from histidine 88.
Molecular consequence: frameshift variant.
Genome position (GRCh38, 1-based): chr11:44,107,975-44,108,003, ACACGTGTTTTGATGTCTATCGCTGTGGC deleted; deleting any 29 consecutive bases within chr11:44,107,973-44,108,003 gives the same sequence; the c. name uses the placement nearest the transcript's 3' end. VCF-style (leftmost placement, unchanged base first): chr11-44107972-TGCACACGTGTTTTGATGTCTATCGCTGTG-T. GRCh37 (hg19) VCF-style: chr11-44129522-TGCACACGTGTTTTGATGTCTATCGCTGTG-T.
Other names: c.362_390del, p.His121fs (NM_000401.3); c.263_291del, p.His88fs (NM_001178083.3, NM_001389628.1, NM_001389630.1); short protein forms H121fs, H88fs.
Identifiers: ClinVar variation 4729845 (VCV004729845.1).
Genomic context (GRCh38, chr11:44,107,972, plus strand): 5'-CGGTTGTTAGGCTGCCAGCCGACAGTCCCATCCCAGAGCGGGGGGATCTCAGTTGCAGAA[TGCACACGTGTTTTGATGTCTATCGCTGTG>T]GCTTCAACCCAAAGAACAAAATCAAGGTGTATATCTATGCTCTGAAAAAGTACGTGGATG-3'